The following is an entry in ClinVar:

NM_139058.3(ARX):c.1247C>G (p.Ala416Gly)

Gene: ARX (aristaless related homeobox; minus strand). Cytogenetic location: Xp21.3.
Variant type: single nucleotide variant.
Coding change: c.1247C>G on transcript NM_139058.3 (MANE Select); coding-DNA position 1247, C replaced by G.
Protein change: p.Ala416Gly; replaces alanine 416 with glycine.
Molecular consequence: missense variant.
Genome position (GRCh38, 1-based): chrX:25,007,312, G>C on the plus strand (C>G on the coding strand, the complement: ARX is on the minus strand). VCF-style: chrX-25007312-G-C. GRCh37 (hg19) VCF-style: chrX-25025429-G-C.
Other names: short protein forms A416G.
Identifiers: ClinVar variation 588885 (VCV000588885.19), dbSNP rs778734352, ClinGen allele CA10373822.

ClinVar aggregate classification (germline): Benign/Likely benign. Review status: criteria provided, multiple submitters, no conflicts (2 of 4 stars). 4 submissions from 4 submitters: Benign (1); Likely benign (2). 1 of the submissions does not count toward it. Last evaluated 2025-12-28.

Conditions:
Inborn genetic diseases. Identifiers: MedGen C0950123, MeSH D030342.
ARX-related disorder. Also called: ARX-Related Disorders; ARX-related condition. Identifiers: MedGen CN378769.
Intellectual disability, X-linked, with or without seizures, ARX-related. Also called: Mental retardation, X-linked 52; INTELLECTUAL DEVELOPMENTAL DISORDER, X-LINKED 29; MENTAL RETARDATION, X-LINKED 29; MENTAL RETARDATION, X-LINKED 32; MENTAL RETARDATION, X-LINKED 33; MENTAL RETARDATION, X-LINKED 38. Identifiers: Orphanet 777, MedGen C0796244, MONDO:0010317, OMIM 300419.
Developmental and epileptic encephalopathy, 1 (DEE1). Also called: X-linked infantile spasms; West's syndrome; Tonic spasms with clustering, arrest of psychomotor development and hypsarrhythmia on EEG; X-Linked Infantile Spasm Syndrome; Epileptic encephalopathy, early infantile, 1; INFANTILE SPASM SYNDROME, X-LINKED 1. Identifiers: MedGen C3463992, MONDO:0010632, OMIM 308350. Disease mechanism: loss of function.

Allele frequency attached by ClinVar (database versions not stated): TOPMed 0.00005; 1000 Genomes Project 30x 0.00021; ExAC 0.00022; gnomAD 0.00023 and 0.00024; 1000 Genomes Project 0.00026; gnomAD exomes 0.00034.
gnomAD v4.1: 218 of 1,130,227 alleles (0.019%); highest among the groups gnomAD compares: Non-Finnish European, 0.01%; 1 homozygote.

Submissions (4):

Labcorp Genetics (formerly Invitae), Labcorp
Classification: Benign for Developmental and epileptic encephalopathy, 1; Intellectual disability, X-linked, with or without seizures, ARX-related. Last evaluated: 2025-12-28. Review status: criteria provided, single submitter. Criteria: Invitae Variant Classification Sherloc (09022015). Collection method: clinical testing. Allele origin: germline.

Blueprint Genetics
Classification: Likely benign. Last evaluated: 2024-07-23. Review status: criteria provided, single submitter. Criteria: ACMG Guidelines, 2015. Collection method: clinical testing. Allele origin: germline.

Ambry Genetics
Classification: Likely benign for Inborn genetic diseases. Last evaluated: 2017-04-04. Review status: criteria provided, single submitter. Criteria: Ambry Variant Classification Scheme 2023. Collection method: clinical testing. Allele origin: germline.

PreventionGenetics, part of Exact Sciences
Classification: Likely benign for ARX-related condition. Last evaluated: 2022-06-09. Review status: no assertion criteria provided. Collection method: clinical testing. Allele origin: germline. Not counted in ClinVar's aggregate classification.
Comment: This variant is classified as likely benign based on ACMG/AMP sequence variant interpretation guidelines (Richards et al. 2015 PMID: 25741868, with internal and published modifications).